The following is an entry in ClinVar:

NM_138295.5(PKD1L1):c.103A>G (p.Lys35Glu)

Gene: PKD1L1 (polycystin 1 like 1, transient receptor potential channel interacting; minus strand). Cytogenetic location: 7p12.3.
Variant type: single nucleotide variant.
Coding change: c.103A>G on transcript NM_138295.5 (MANE Select); coding-DNA position 103, A replaced by G.
Protein change: p.Lys35Glu; replaces lysine 35 with glutamic acid.
Molecular consequence: missense variant.
Genome position (GRCh38, 1-based): chr7:47,943,453, T>C on the plus strand (A>G on the coding strand, the complement: PKD1L1 is on the minus strand). VCF-style: chr7-47943453-T-C. GRCh37 (hg19) VCF-style: chr7-47983050-T-C.
Other names: short protein forms K35E.
Identifiers: ClinVar variation 3355604 (VCV003355604.1).

ClinVar aggregate classification (germline): Uncertain significance (0 of 4 stars; one submission).

Conditions:
PKD1L1-related disorder. Also called: PKD1L1-related condition.

gnomAD v4.1: 40 of 1,613,448 alleles (0.0025%); highest among the groups gnomAD compares: Non-Finnish European, 0.0031%; no homozygotes.

Submission:

PreventionGenetics, part of Exact Sciences
Classification: Uncertain significance for PKD1L1-related condition. Last evaluated: 2024-04-30. Review status: no assertion criteria provided. Collection method: clinical testing. Allele origin: germline.
Comment: The PKD1L1 c.103A>G variant is predicted to result in the amino acid substitution p.Lys35Glu. To our knowledge, this variant has not been reported in the literature. This variant is reported in 0.0080% of alleles in individuals of European (Finnish) descent in gnomAD. At this time, the clinical significance of this variant is uncertain due to the absence of conclusive functional and genetic evidence.